The following is an entry in ClinVar:

NM_032608.7(MYO18B):c.3031G>A (p.Val1011Met)

Gene: MYO18B (myosin XVIIIB; plus strand). Cytogenetic location: 22q12.1.
Variant type: single nucleotide variant.
Coding change: c.3031G>A on transcript NM_032608.7 (MANE Select); coding-DNA position 3031, G replaced by A.
Protein change: p.Val1011Met; replaces valine 1011 with methionine.
Molecular consequence: missense variant.
Genome position (GRCh38, 1-based): chr22:25,832,968, G>A. VCF-style: chr22-25832968-G-A. GRCh37 (hg19) VCF-style: chr22-26228935-G-A.
Other names: c.3031G>A, p.Val1011Met (NM_001318245.2); short protein forms V1011M.
Identifiers: ClinVar variation 1419228 (VCV001419228.5), dbSNP rs557607855, ClinGen allele CA322794826.

ClinVar aggregate classification (germline): Uncertain significance (1 of 4 stars; one submission).

gnomAD v4.1: 60 of 1,613,664 alleles (0.0037%); highest among the groups gnomAD compares: East Asian, 0.0089%; no homozygotes.

Submission:

Labcorp Genetics (formerly Invitae), Labcorp
Classification: Uncertain significance. Last evaluated: 2025-01-06. Review status: criteria provided, single submitter. Criteria: Invitae Variant Classification Sherloc (09022015). Collection method: clinical testing. Allele origin: germline.
Comment: This sequence change replaces valine with methionine at codon 1011 of the MYO18B protein (p.Val1011Met). The valine residue is moderately conserved and there is a small physicochemical difference between valine and methionine. This variant is present in population databases (rs557607855, gnomAD 0.02%). This variant has not been reported in the literature in individuals affected with MYO18B-related conditions. ClinVar contains an entry for this variant (Variation ID: 1419228). An algorithm developed to predict the effect of missense changes on protein structure and function (PolyPhen-2) suggests that this variant is likely to be disruptive. In summary, the available evidence is currently insufficient to determine the role of this variant in disease. Therefore, it has been classified as a Variant of Uncertain Significance.